The following is an entry in ClinVar:

ClinVar aggregate classification (germline): Pathogenic/Likely pathogenic. Review status: criteria provided, multiple submitters, no conflicts (2 of 4 stars). 12 submissions from 12 submitters: Pathogenic (4); Likely pathogenic (3). 5 of the submissions do not count toward it. Last evaluated 2026-05-12.

Conditions:
PDE6B-related disorder. Also called: PDE6B-related disorders; PDE6B-related disease; PDE6B-related condition.
Retinal dystrophy. Also called: Inherited retinal dystrophy. Identifiers: Orphanet 71862, MedGen C0854723, MeSH D058499, MONDO:0019118, HP:0000556.
Retinitis pigmentosa 40 (RP40). Identifiers: Orphanet 791, MedGen C3151107, MONDO:0013429, OMIM 613801.
Retinitis pigmentosa (RP). Identifiers: Orphanet 791, MedGen C0035334, MeSH D012174, MONDO:0019200, OMIM 268000. Inheritance: Autosomal dominant, autosomal recessive and X linked inheritance.

Allele frequency attached by ClinVar (database versions not stated): gnomAD 0.00003; gnomAD exomes 0.00003 and 0.00004; ExAC 0.00004; TOPMed 0.00004; ESP Exome Variant Server 0.00015.
gnomAD v4.1: 49 of 1,530,278 alleles (0.0032%); highest among the groups gnomAD compares: Non-Finnish European, 0.0042%; no homozygotes.

Submissions (12):

PreventionGenetics, part of Exact Sciences
Classification: Pathogenic for PDE6B-related condition. Last evaluated: 2026-05-12. Review status: criteria provided, single submitter. Criteria: ACMG Guidelines, 2015. Collection method: clinical testing. Allele origin: germline.
Comment: The PDE6B c.1107+3A>G variant is predicted to interfere with splicing. This variant is predicted to decrease the strength of the canonical donor splice site (SpliceAI, Jaganathan et al. 2019. PubMed ID: 30661751). This variant has been reported in the homozygous and compound heterozygous states in several individuals with retinitis pigmentosa (see for examples: Neveling et al. 2012. PubMed ID: 22334370; Karali et al. 2019. PubMed ID: 31877679; Martín-Sánchez et al. 2020. PubMed ID: 33302505; Internal Data, PreventionGenetics). This variant is reported in 0.0093% of alleles in individuals of European (Non-Finnish) descent in gnomAD. Given the evidence, we interpret this variant as pathogenic.

Labcorp Genetics (formerly Invitae), Labcorp
Classification: Pathogenic. Last evaluated: 2025-08-31. Review status: criteria provided, single submitter. Criteria: Invitae Variant Classification Sherloc (09022015). Collection method: clinical testing. Allele origin: germline.
Comment: This sequence change falls in intron 8 of the PDE6B gene. It does not directly change the encoded amino acid sequence of the PDE6B protein. It affects a nucleotide within the consensus splice site. This variant is present in population databases (rs370898371, gnomAD 0.009%). This variant has been observed in individuals with autosomal recessive retinitis pigmentosa (PMID: 22334370, 28041643, 30718709; internal data). ClinVar contains an entry for this variant (Variation ID: 438188). Variants that disrupt the consensus splice site are a relatively common cause of aberrant splicing (PMID: 17576681, 9536098). Algorithms developed to predict the effect of sequence changes on RNA splicing suggest that this variant may disrupt the consensus splice site. For these reasons, this variant has been classified as Pathogenic.

Dasa
Classification: Pathogenic for Retinitis pigmentosa 40. Last evaluated: 2025-07-10. Review status: criteria provided, single submitter. Criteria: DASA Assertion Criteria. Collection method: clinical testing. Allele origin: germline.
Comment: NM_000283.4(PDE6B):c.1107+3A>G is a splice-region variant predicted to affect normal RNA splicing. Segregation evidence has been reported in affected families. This variant has been observed in affected individuals with Retinitis pigmentosa 40 in a genotype context consistent with recessive disease (PMID: 30998820; PMID: 25999674; PMID: 22334370; PMID: 31877679). This variant has been recurrently observed in individuals with Retinitis pigmentosa 40 (PMID: 30998820; PMID: 25999674; PMID: 22334370; PMID: 31877679). Multiple computational predictions support a deleterious effect on the gene or gene product. The variant is present at low frequency in population datasets. Based on the available data, this variant is classified as pathogenic.

Blueprint Genetics
Classification: Pathogenic for PDE6B-related disorders. Last evaluated: 2024-02-27. Review status: criteria provided, single submitter. Criteria: ACMG Guidelines, 2015. Collection method: clinical testing. Allele origin: germline. Affected: yes. Observed: 5 variant alleles.

GeneDx
Classification: Likely pathogenic. Last evaluated: 2021-04-05. Review status: criteria provided, single submitter. Criteria: GeneDx Variant Classification Process June 2021. Collection method: clinical testing. Allele origin: germline. Affected: yes.
Comment: In silico analysis, which includes splice predictors and evolutionary conservation, supports a deleterious effect; Reported as likely pathogenic in ClinVar but additional evidence is not available (ClinVar SCV000780789.2; Landrum et al., 2016); This variant is associated with the following publications: (PMID: 33576794, 32581362, 30718709, 31877679, 28041643, 30998820, 25999674, 22334370)

Institute of Human Genetics, Univ. Regensburg, Univ. Regensburg
Classification: Likely pathogenic for Retinal dystrophy. Last evaluated: 2021-01-01. Review status: criteria provided, single submitter. Criteria: ACMG Guidelines, 2015. Collection method: clinical testing. Allele origin: germline. Affected: yes.

CeGaT Center for Human Genetics Tuebingen
Classification: Likely pathogenic. Last evaluated: 2018-08-01. Review status: criteria provided, single submitter. Criteria: CeGaT Center For Human Genetics Tuebingen Variant Classification Criteria Version 2. Collection method: clinical testing. Allele origin: germline. Affected: yes. Observed: 2 variant alleles.

Department of Clinical Genetics, Copenhagen University Hospital, Rigshospitalet
Classification: Likely pathogenic for Retinitis pigmentosa. Last evaluated: 2018-04-01. Review status: no assertion criteria provided. Collection method: research. Allele origin: unknown. Affected: yes. Study: VeluxRD. Not counted in ClinVar's aggregate classification.

NIHR Bioresource Rare Diseases, University of Cambridge
Classification: Likely pathogenic for Retinitis pigmentosa. Last evaluated: 2015-01-01. Review status: no assertion criteria provided. Collection method: research. Allele origin: unknown. Affected: yes. Observed: 1 variant allele. Not counted in ClinVar's aggregate classification.

Clinical Genetics, Academic Medical Center
Classification: Likely pathogenic. Review status: no assertion criteria provided. Collection method: clinical testing. Allele origin: germline. Affected: yes. Study: VKGL Data-share Consensus. Not counted in ClinVar's aggregate classification.

Joint Genome Diagnostic Labs from Nijmegen and Maastricht, Radboudumc and MUMC+
Classification: Likely pathogenic. Review status: no assertion criteria provided. Collection method: clinical testing. Allele origin: germline. Affected: yes. Study: VKGL Data-share Consensus. Not counted in ClinVar's aggregate classification.

Centre for Mendelian Genomics, University Medical Centre Ljubljana
Classification: Uncertain significance for Retinitis pigmentosa 40. Last evaluated: 2020-03-25. Review status: flagged submission. Criteria: ACMG Guidelines, 2015. Collection method: clinical testing. Allele origin: unknown. Affected: yes. Not counted in ClinVar's aggregate classification.
Comment: This variant was classified as: Uncertain significance. The available evidence on this variant's pathogenicity is insufficient or conflicting. The following ACMG criteria were applied in classifying this variant: PM2,PS4_MOD.
ClinVar note: Reason: Older and outlier claim with insufficient supporting evidence

Literature cited by the submitters: PubMed 22334370 (cited by 4 submitters); PubMed 28041643 (cited by Labcorp Genetics (formerly Invitae), Labcorp and NIHR Bioresource Rare Diseases, University of Cambridge); PubMed 30718709 (cited by Labcorp Genetics (formerly Invitae), Labcorp and Department of Clinical Genetics, Copenhagen University Hospital, Rigshospitalet); PubMed 17576681 (cited by Labcorp Genetics (formerly Invitae), Labcorp); PubMed 9536098 (cited by Labcorp Genetics (formerly Invitae), Labcorp); PubMed 30998820 (cited by Dasa and Institute of Human Genetics, Univ. Regensburg, Univ. Regensburg); PubMed 25999674 (cited by Dasa); PubMed 31877679 (cited by Dasa and Institute of Human Genetics, Univ. Regensburg, Univ. Regensburg); PubMed 31964843 (cited by Institute of Human Genetics, Univ. Regensburg, Univ. Regensburg); PubMed 33302505 (cited by Institute of Human Genetics, Univ. Regensburg, Univ. Regensburg); PubMed 32581362 (cited by Institute of Human Genetics, Univ. Regensburg, Univ. Regensburg); PubMed 32531858 (cited by Institute of Human Genetics, Univ. Regensburg, Univ. Regensburg); PubMed 33576794 (cited by Institute of Human Genetics, Univ. Regensburg, Univ. Regensburg); PubMed 36460718 (cited by Institute of Human Genetics, Univ. Regensburg, Univ. Regensburg); PubMed 36819107 (cited by Institute of Human Genetics, Univ. Regensburg, Univ. Regensburg).

NM_000283.4(PDE6B):c.1107+3A>G

Gene: PDE6B (phosphodiesterase 6B; plus strand). Cytogenetic location: 4p16.3.
Variant type: single nucleotide variant.
Coding change: c.1107+3A>G on transcript NM_000283.4 (MANE Select); 3 bases into the intron after coding-DNA position 1107, A replaced by G.
Molecular consequence: intron variant.
Genome position (GRCh38, 1-based): chr4:656,295, A>G. VCF-style: chr4-656295-A-G. GRCh37 (hg19) VCF-style: chr4-650084-A-G.
Other names: c.1107+3A>G (NM_001145291.2); c.270+3A>G (NM_001379246.1, NM_001379247.1, NM_001145292.2 and 1 more transcripts); c.-48-579A>G (NM_001350155.3).
Identifiers: ClinVar variation 438188 (VCV000438188.66), dbSNP rs370898371, ClinGen allele CA2794340.